The following is an entry in ClinVar:

NM_003356.4(UCP3):c.647A>T (p.Asn216Ile)

Gene: UCP3 (uncoupling protein 3; minus strand). Cytogenetic location: 11q13.4.
Variant type: single nucleotide variant.
Coding change: c.647A>T on transcript NM_003356.4 (MANE Select); coding-DNA position 647, A replaced by T.
Protein change: p.Asn216Ile; replaces asparagine 216 with isoleucine.
Molecular consequence: missense variant.
Genome position (GRCh38, 1-based): chr11:74,004,004, T>A on the plus strand (A>T on the coding strand, the complement: UCP3 is on the minus strand). VCF-style: chr11-74004004-T-A. GRCh37 (hg19) VCF-style: chr11-73715049-T-A.
Other names: c.647A>T, p.Asn216Ile (NM_022803.3); short protein forms N216I.
Identifiers: ClinVar variation 5002375 (VCV005002375.1).
Genomic context (GRCh38, chr11:74,004,004, plus strand): 5'-GAGGCCACCACTGTGGCACAGAAGCCGGCTCCAAAGGCAGAGACAAAGTGGCAGGGGAAG[T>A]TGTCTGCAGAGGAAGGACAAGCAAATATCAAGGAGTGCATTTGTGTTCTGTCCATATGTA-3'
Protein context (NP_003347.1, residues 206-226): KLLDYHLLTD[Asn216Ile]FPCHFVSAFG

ClinVar aggregate classification (germline): Uncertain significance (1 of 4 stars; one submission).

Conditions:
UCP3-related disorder. Also called: UCP3-related condition.

Submission:

PreventionGenetics, part of Exact Sciences
Classification: Uncertain significance for UCP3-related condition. Last evaluated: 2024-12-05. Review status: criteria provided, single submitter. Criteria: ACMG Guidelines, 2015. Collection method: clinical testing. Allele origin: germline.
Comment: The UCP3 c.647A>T variant is predicted to result in the amino acid substitution p.Asn216Ile. To our knowledge, this variant has not been reported in the literature or in a large population database (gnomAD), indicating this variant is rare. At this time, the clinical significance of this variant is uncertain due to the absence of conclusive functional and genetic evidence.